The following is an entry in ClinVar:

ClinVar aggregate classification (germline): Uncertain significance (1 of 4 stars; one submission).

Allele frequency attached by ClinVar (database versions not stated): gnomAD 0.00001; TOPMed 0.00002.
gnomAD v4.1: 3 of 1,582,550 alleles (0.00019%); highest among the groups gnomAD compares: Admixed American, 0.002%; no homozygotes.

Submission:

Labcorp Genetics (formerly Invitae), Labcorp
Classification: Uncertain significance. Last evaluated: 2021-04-02. Review status: criteria provided, single submitter. Criteria: Invitae Variant Classification Sherloc (09022015). Collection method: clinical testing. Allele origin: germline.
Comment: In summary, the available evidence is currently insufficient to determine the role of this variant in disease. Therefore, it has been classified as a Variant of Uncertain Significance. Nucleotide substitutions within the consensus splice site are a relatively common cause of aberrant splicing (PMID: 17576681, 9536098). Algorithms developed to predict the effect of sequence changes on RNA splicing suggest that this variant may disrupt the consensus splice site, but this prediction has not been confirmed by published transcriptional studies. This variant has not been reported in the literature in individuals with DNAAF4-related disease. This variant is not present in population databases (ExAC no frequency). This sequence change falls in intron 7 of the DNAAF4 gene. It does not directly change the encoded amino acid sequence of the DNAAF4 protein, but it affects a nucleotide within the consensus splice site of the intron.

Literature cited by the submitters: PubMed 17576681; PubMed 9536098.

NM_130810.4(DNAAF4):c.894-3T>G

Genes: DNAAF4 (dynein axonemal assembly factor 4; minus strand), DNAAF4-CCPG1 (DNAAF4-CCPG1 readthrough (NMD candidate); minus strand). Cytogenetic location: 15q21.3.
Variant type: single nucleotide variant.
Coding change: c.894-3T>G on transcript NM_130810.4 (MANE Select); 3 bases into the intron before coding-DNA position 894, T replaced by G.
Molecular consequence: intron variant.
Genome position (GRCh38, 1-based): chr15:55,435,061, A>C on the plus strand (T>G on the coding strand, the complement: DNAAF4 is on the minus strand). VCF-style: chr15-55435061-A-C. GRCh37 (hg19) VCF-style: chr15-55727259-A-C.
Other names: c.894-3T>G (NM_001033560.2, NM_001033559.3).
Identifiers: ClinVar variation 660419 (VCV000660419.8), dbSNP rs1341382251, ClinGen allele CA618066738.